The following is an entry in ClinVar:

NM_014712.3(SETD1A):c.2164C>T (p.Gln722Ter)

Gene: SETD1A (SET domain containing 1A, histone lysine methyltransferase; plus strand). Cytogenetic location: 16p11.2.
Variant type: single nucleotide variant.
Coding change: c.2164C>T on transcript NM_014712.3 (MANE Select); coding-DNA position 2164, C replaced by T.
Protein change: p.Gln722Ter; replaces glutamine 722 with a stop codon.
Molecular consequence: nonsense.
Genome position (GRCh38, 1-based): chr16:30,966,045, C>T. VCF-style: chr16-30966045-C-T. GRCh37 (hg19) VCF-style: chr16-30977366-C-T.
Other names: short protein forms Q722*.
Identifiers: ClinVar variation 1315707 (VCV001315707.3), dbSNP rs2056139851, ClinGen allele CA395619510.
Genomic context (GRCh38, chr16:30,966,045, plus strand): 5'-GCCTCAGCTGGCCCCCCCGGTGGGGCCTTTGGGGAGGCCTTCCTCCCGTTTCCACCCCCG[C>T]AGGAGGCAGCCTACGGCTTGCCGTATGCTCTATATGCACAGGGGCAGGAGGGCAGAGGGG-3'

ClinVar aggregate classification (germline): Conflicting classifications of pathogenicity. Review status: criteria provided, conflicting classifications (1 of 4 stars). 2 submissions from 2 submitters: Likely pathogenic (1); Uncertain significance (1). Last evaluated 2025-03-24.

Conditions:
Neurodevelopmental disorder with speech impairment and dysmorphic facies. Identifiers: MedGen C5436699, MONDO:0033630, OMIM 619056.

Submissions (2):

Variantyx, Inc.
Classification: Likely pathogenic for Neurodevelopmental disorder with speech impairment and dysmorphic facies. Last evaluated: 2025-03-24. Review status: criteria provided, single submitter. Criteria: Variantyx Assertion Criteria 2022. Collection method: clinical testing. Allele origin: germline. Affected: yes.
Comment: This is a nonsense variant in the SETD1A gene (OMIM: 611052). Pathogenic variants in this gene have been associated with autosomal dominant neurodevelopmental disorder with speech impairment and dysmorphic facies. This variant introduces a premature termination codon in exon 8 out of 19. It is expected to result in loss of function, which is a known disease mechanism for SETD1A in this disorder (PMID: 32346159) (PVS1). This variant is absent from control populations (PM2_Supporting). Based on the current evidence, this variant is classified as likely pathogenic for autosomal dominant neurodevelopmental disorder with speech impairment and dysmorphic facies.

GeneDx
Classification: Uncertain significance. Last evaluated: 2019-10-22. Review status: criteria provided, single submitter. Criteria: GeneDx Variant Classification Process June 2021. Collection method: clinical testing. Allele origin: germline. Affected: yes.
Comment: Not observed in large population cohorts (Lek et al., 2016); Nonsense variant predicted to result in protein truncation or nonsense mediated decay in a gene for which loss-of-function is not a known mechanism of disease; Has not been previously published as pathogenic or benign to our knowledge; Variants in candidate genes are classified as variants of uncertain significance in accordance with ACMG guidelines (Richards et al., 2015)